The following is an entry in ClinVar:

ClinVar aggregate classification (germline): Uncertain significance (1 of 4 stars; one submission).

Conditions:
Familial cancer of breast. Also called: hereditary breast carcinoma; BREAST CANCER, FAMILIAL; Hereditary breast cancer. Identifiers: Orphanet 227535, MedGen C0346153, MONDO:0016419, OMIM 114480. Disease mechanism: loss of function.

Submission:

Labcorp Genetics (formerly Invitae), Labcorp
Classification: Uncertain significance for Familial cancer of breast. Last evaluated: 2024-05-21. Review status: criteria provided, single submitter. Criteria: Invitae Variant Classification Sherloc (09022015). Collection method: clinical testing. Allele origin: germline.
Comment: This sequence change replaces serine, which is neutral and polar, with arginine, which is basic and polar, at codon 259 of the PALB2 protein (p.Ser259Arg). This variant is not present in population databases (gnomAD no frequency). This variant has not been reported in the literature in individuals affected with PALB2-related conditions. Algorithms developed to predict the effect of missense changes on protein structure and function output the following: SIFT: "Not Available"; PolyPhen-2: "Benign"; Align-GVGD: "Not Available". The arginine amino acid residue is found in multiple mammalian species, which suggests that this missense change does not adversely affect protein function. In summary, the available evidence is currently insufficient to determine the role of this variant in disease. Therefore, it has been classified as a Variant of Uncertain Significance.

NM_024675.4(PALB2):c.775A>C (p.Ser259Arg)

Gene: PALB2 (partner and localizer of BRCA2; minus strand). Cytogenetic location: 16p12.2.
Variant type: single nucleotide variant.
Coding change: c.775A>C on transcript NM_024675.4 (MANE Select); coding-DNA position 775, A replaced by C.
Protein change: p.Ser259Arg; replaces serine 259 with arginine.
Molecular consequence: missense variant. On other transcripts: 5 prime UTR variant (8), intron variant (3).
Genome position (GRCh38, 1-based): chr16:23,635,771, T>G on the plus strand (A>C on the coding strand, the complement: PALB2 is on the minus strand). VCF-style: chr16-23635771-T-G. GRCh37 (hg19) VCF-style: chr16-23647092-T-G.
Other names: c.715A>C, p.Ser239Arg (NM_001407296.1); c.775A>C, p.Ser259Arg (NM_001407297.1, NM_001407298.1, NM_001407299.1 and 3 more transcripts); c.-111A>C (NM_001407304.1, NM_001407305.1, NM_001407306.1 and 5 more transcripts); c.48+5339A>C (NM_001407314.1); c.-104-5302A>C (NM_001407313.1, NM_001407312.1); short protein forms S239R, S259R.
Identifiers: ClinVar variation 3654132 (VCV003654132.2).